The following is an entry in ClinVar:

NM_001385641.1(SAMD11):c.1073C>T (p.Pro358Leu)

Gene: SAMD11 (sterile alpha motif domain containing 11; plus strand). Cytogenetic location: 1p36.33.
Variant type: single nucleotide variant.
Coding change: c.1073C>T on transcript NM_001385641.1 (MANE Select); coding-DNA position 1073, C replaced by T.
Protein change: p.Pro358Leu; replaces proline 358 with leucine.
Molecular consequence: missense variant.
Genome position (GRCh38, 1-based): chr1:939,290, C>T. VCF-style: chr1-939290-C-T. GRCh37 (hg19) VCF-style: chr1-874670-C-T.
Other names: c.1076C>T, p.Pro359Leu (NM_001385640.1); c.536C>T, p.Pro179Leu (NM_152486.4); c.536C>T (NM_152486.2); short protein forms P179L, P358L, P359L.
Identifiers: ClinVar variation 1038863 (VCV001038863.7), dbSNP rs150205193, ClinGen allele CA502690.

ClinVar aggregate classification (germline): Uncertain significance. Review status: criteria provided, multiple submitters, no conflicts (2 of 4 stars). 2 submissions from 2 submitters: Uncertain significance (2). Last evaluated 2025-08-15.

Allele frequency attached by ClinVar (database versions not stated): gnomAD 0.00005; TOPMed 0.00005; gnomAD exomes 0.00007; ESP Exome Variant Server 0.00008; ExAC 0.00010.
gnomAD v4.1: 71 of 1,606,488 alleles (0.0044%); highest among the groups gnomAD compares: Admixed American, 0.0051%; no homozygotes.

Submissions (2):

Ambry Genetics
Classification: Uncertain significance. Last evaluated: 2025-08-15. Review status: criteria provided, single submitter. Criteria: Ambry Variant Classification Scheme 2023. Collection method: clinical testing. Allele origin: germline.

Labcorp Genetics (formerly Invitae), Labcorp
Classification: Uncertain significance. Last evaluated: 2022-10-24. Review status: criteria provided, single submitter. Criteria: Invitae Variant Classification Sherloc (09022015). Collection method: clinical testing. Allele origin: germline.
Comment: This sequence change replaces proline, which is neutral and non-polar, with leucine, which is neutral and non-polar, at codon 179 of the SAMD11 protein (p.Pro179Leu). This variant is present in population databases (rs150205193, gnomAD 0.02%). This variant has not been reported in the literature in individuals affected with SAMD11-related conditions. ClinVar contains an entry for this variant (Variation ID: 1038863). Algorithms developed to predict the effect of missense changes on protein structure and function output the following: SIFT: "Deleterious"; PolyPhen-2: "Possibly Damaging"; Align-GVGD: "Class C0". The leucine amino acid residue is found in multiple mammalian species, which suggests that this missense change does not adversely affect protein function. In summary, the available evidence is currently insufficient to determine the role of this variant in disease. Therefore, it has been classified as a Variant of Uncertain Significance.